The following is an entry in ClinVar:

NM_001378120.1(MBD5):c.362C>T (p.Pro121Leu)

Gene: MBD5 (methyl-CpG binding domain protein 5; plus strand). Cytogenetic location: 2q23.1.
Variant type: single nucleotide variant.
Coding change: c.362C>T on transcript NM_001378120.1 (MANE Select); coding-DNA position 362, C replaced by T.
Protein change: p.Pro121Leu; replaces proline 121 with leucine.
Molecular consequence: missense variant.
Genome position (GRCh38, 1-based): chr2:148,463,884, C>T. VCF-style: chr2-148463884-C-T. GRCh37 (hg19) VCF-style: chr2-149221453-C-T.
Other names: c.362C>T, p.Pro121Leu (NM_018328.5); short protein forms P121L.
Identifiers: ClinVar variation 3704082 (VCV003704082.2).

ClinVar aggregate classification (germline): Uncertain significance (1 of 4 stars; one submission).

Conditions:
Intellectual developmental disorder, autosomal dominant 1. Also called: MBD5 Haploinsufficiency; Intellectual disability, autosomal dominant 1. Identifiers: Orphanet 228402, MedGen C1969562, MONDO:0007974, OMIM 156200.

Submission:

Labcorp Genetics (formerly Invitae), Labcorp
Classification: Uncertain significance for Intellectual developmental disorder, autosomal dominant 1. Last evaluated: 2024-10-31. Review status: criteria provided, single submitter. Criteria: Invitae Variant Classification Sherloc (09022015). Collection method: clinical testing. Allele origin: germline.
Comment: This sequence change replaces proline, which is neutral and non-polar, with leucine, which is neutral and non-polar, at codon 121 of the MBD5 protein (p.Pro121Leu). This variant is not present in population databases (gnomAD no frequency). This variant has not been reported in the literature in individuals affected with MBD5-related conditions. Invitae Evidence Modeling of protein sequence and biophysical properties (such as structural, functional, and spatial information, amino acid conservation, physicochemical variation, residue mobility, and thermodynamic stability) indicates that this missense variant is not expected to disrupt MBD5 protein function with a negative predictive value of 80%. In summary, the available evidence is currently insufficient to determine the role of this variant in disease. Therefore, it has been classified as a Variant of Uncertain Significance.